The following is an entry in ClinVar:

NM_001348041.4(BBS9):c.2718C>G (p.Pro906=)

Gene: BBS9 (Bardet-Biedl syndrome 9; plus strand). Cytogenetic location: 7p14.3.
Variant type: single nucleotide variant.
Coding change: c.2718C>G on transcript NM_001348041.4; coding-DNA position 2718, C replaced by G.
Protein change: p.Pro906=; no amino-acid change (proline 906 retained).
Molecular consequence: synonymous variant.
Genome position (GRCh38, 1-based): chr7:33,635,262, C>G. VCF-style: chr7-33635262-C-G. GRCh37 (hg19) VCF-style: chr7-33674874-C-G.
Other names: c.2607C>G, p.Pro869= (NM_001362679.1).
Identifiers: ClinVar variation 4998517 (VCV004998517.1).

ClinVar aggregate classification (germline): Likely benign (1 of 4 stars; one submission).

Conditions:
BBS9-related disorder. Also called: BBS9-related condition.

Submission:

PreventionGenetics, part of Exact Sciences
Classification: Likely benign for BBS9-related condition. Last evaluated: 2024-12-17. Review status: criteria provided, single submitter. Criteria: ACMG Guidelines, 2015. Collection method: clinical testing. Allele origin: germline.
Comment: This variant is classified as likely benign based on ACMG/AMP sequence variant interpretation guidelines (Richards et al. 2015 PMID: 25741868, with internal and published modifications).